The following is an entry in ClinVar:

ClinVar aggregate classification (germline): Uncertain significance. Review status: criteria provided, multiple submitters, no conflicts (2 of 4 stars). 2 submissions from 2 submitters: Uncertain significance (2). Last evaluated 2023-10-05.

Allele frequency attached by ClinVar (database versions not stated): gnomAD exomes below 0.00001; gnomAD 0.00001; TOPMed 0.00001.
gnomAD v4.1: 7 of 1,613,992 alleles (0.00043%); highest among the groups gnomAD compares: Non-Finnish European, 0.00051%; no homozygotes.

Submissions (2):

Labcorp Genetics (formerly Invitae), Labcorp
Classification: Uncertain significance. Last evaluated: 2023-10-05. Review status: criteria provided, single submitter. Criteria: Invitae Variant Classification Sherloc (09022015). Collection method: clinical testing. Allele origin: germline.
Comment: This sequence change replaces glutamic acid, which is acidic and polar, with lysine, which is basic and polar, at codon 3211 of the VCAN protein (p.Glu3211Lys). This variant is not present in population databases (gnomAD no frequency). This variant has not been reported in the literature in individuals affected with VCAN-related conditions. ClinVar contains an entry for this variant (Variation ID: 1704980). An algorithm developed to predict the effect of missense changes on protein structure and function (PolyPhen-2) suggests that this variant is likely to be disruptive. In summary, the available evidence is currently insufficient to determine the role of this variant in disease. Therefore, it has been classified as a Variant of Uncertain Significance.

GeneDx
Classification: Uncertain significance. Last evaluated: 2022-03-07. Review status: criteria provided, single submitter. Criteria: GeneDx Variant Classification Process June 2021. Collection method: clinical testing. Allele origin: germline. Affected: yes.
Comment: Not observed at significant frequency in large population cohorts (gnomAD); In silico analysis supports that this missense variant has a deleterious effect on protein structure/function; Has not been previously published as pathogenic or benign to our knowledge

NM_004385.5(VCAN):c.9631G>A (p.Glu3211Lys)

Genes: VCAN (versican; plus strand), VCAN-AS1 (VCAN antisense RNA 1; minus strand). Cytogenetic location: 5q14.3.
Variant type: single nucleotide variant.
Coding change: c.9631G>A on transcript NM_004385.5 (MANE Select); coding-DNA position 9631, G replaced by A.
Protein change: p.Glu3211Lys; replaces glutamic acid 3211 with lysine.
Molecular consequence: missense variant.
Genome position (GRCh38, 1-based): chr5:83,553,501, G>A. VCF-style: chr5-83553501-G-A. GRCh37 (hg19) VCF-style: chr5-82849320-G-A.
Other names: c.1408G>A, p.Glu470Lys (NM_001126336.3); c.6670G>A, p.Glu2224Lys (NM_001164097.2); c.4369G>A, p.Glu1457Lys (NM_001164098.2); short protein forms E1457K, E2224K, E3211K, E470K.
Identifiers: ClinVar variation 1704980 (VCV001704980.5), dbSNP rs1417998756, ClinGen allele CA360297541.